The following is an entry in ClinVar:

NM_015046.7(SETX):c.2228C>G (p.Ser743Ter)

Gene: SETX (senataxin; minus strand). Cytogenetic location: 9q34.13.
Variant type: single nucleotide variant.
Coding change: c.2228C>G on transcript NM_015046.7 (MANE Select); coding-DNA position 2228, C replaced by G.
Protein change: p.Ser743Ter; replaces serine 743 with a stop codon.
Molecular consequence: nonsense.
Genome position (GRCh38, 1-based): chr9:132,329,370, G>C on the plus strand (C>G on the coding strand, the complement: SETX is on the minus strand). VCF-style: chr9-132329370-G-C. GRCh37 (hg19) VCF-style: chr9-135204757-G-C.
Other names: c.2228C>G, p.Ser743Ter (NM_001351527.2, NM_001351528.2); short protein forms S743*.
Identifiers: ClinVar variation 1807021 (VCV001807021.1), dbSNP rs2539124114, ClinGen allele CA375336530.
Genomic context (GRCh38, chr9:132,329,370, plus strand): 5'-TCATTCGATGTGGACACTTTTTCCAAAGCATCAGTGCTAGAATCAGTCAACAAACGTGTT[G>C]ATACTATTATTCCTCTGTCACATCCCCTTTCTGGACCATTTCTTGAAGTACAGTCCTTTG-3'

ClinVar aggregate classification (germline): Likely pathogenic (1 of 4 stars; one submission).

Submission:

Athena Diagnostics
Classification: Likely pathogenic. Last evaluated: 2021-07-20. Review status: criteria provided, single submitter. Criteria: Athena Diagnostics Criteria. Collection method: clinical testing. Allele origin: unknown.
Comment: This variant is expected to result in the loss of a functional protein. This variant has not been reported in large, multi-ethnic general populations.